The following is an entry in ClinVar:

NM_031935.3(HMCN1):c.8220C>T (p.Thr2740=)

Gene: HMCN1 (hemicentin 1; plus strand). Cytogenetic location: 1q31.1.
Variant type: single nucleotide variant.
Coding change: c.8220C>T on transcript NM_031935.3 (MANE Select); coding-DNA position 8220, C replaced by T.
Protein change: p.Thr2740=; no amino-acid change (threonine 2740 retained).
Molecular consequence: synonymous variant.
Genome position (GRCh38, 1-based): chr1:186,074,821, C>T. VCF-style: chr1-186074821-C-T. GRCh37 (hg19) VCF-style: chr1-186043953-C-T.
Other names: c.8220C>T (NM_031935.2).
Identifiers: ClinVar variation 1595797 (VCV001595797.10), dbSNP rs562987367, ClinGen allele CA1293065.

ClinVar aggregate classification (germline): Likely benign. Review status: criteria provided, single submitter (1 of 4 stars). 2 submissions from 2 submitters: Likely benign (1). 1 of the submissions does not count toward it. Last evaluated 2025-02-16.

Conditions:
HMCN1-related disorder. Also called: HMCN1-related condition.

Allele frequency attached by ClinVar (database versions not stated): 1000 Genomes Project 30x 0.00016; 1000 Genomes Project 0.00020.
gnomAD v4.1: 58 of 1,612,220 alleles (0.0036%); highest among the groups gnomAD compares: Admixed American, 0.03%; 3 homozygotes.

Submissions (2):

Labcorp Genetics (formerly Invitae), Labcorp
Classification: Likely benign. Last evaluated: 2025-02-16. Review status: criteria provided, single submitter. Criteria: Invitae Variant Classification Sherloc (09022015). Collection method: clinical testing. Allele origin: germline.

PreventionGenetics, part of Exact Sciences
Classification: Likely benign for HMCN1-related condition. Last evaluated: 2019-02-25. Review status: no assertion criteria provided. Collection method: clinical testing. Allele origin: germline. Not counted in ClinVar's aggregate classification.
Comment: This variant is classified as likely benign based on ACMG/AMP sequence variant interpretation guidelines (Richards et al. 2015 PMID: 25741868, with internal and published modifications).